The following is an entry in ClinVar:

NM_030934.5(TRMT1L):c.665C>T (p.Ala222Val)

Gene: TRMT1L (tRNA methyltransferase 1L; minus strand). Cytogenetic location: 1q25.3.
Variant type: single nucleotide variant.
Coding change: c.665C>T on transcript NM_030934.5 (MANE Select); coding-DNA position 665, C replaced by T.
Protein change: p.Ala222Val; replaces alanine 222 with valine.
Molecular consequence: missense variant.
Genome position (GRCh38, 1-based): chr1:185,144,020, G>A on the plus strand (C>T on the coding strand, the complement: TRMT1L is on the minus strand). VCF-style: chr1-185144020-G-A. GRCh37 (hg19) VCF-style: chr1-185113152-G-A.
Other names: c.197C>T, p.Ala66Val (NM_001202423.2); short protein forms A222V, A66V.
Identifiers: ClinVar variation 2639641 (VCV002639641.24), dbSNP rs114355007, ClinGen allele CA1289293.

ClinVar aggregate classification (germline): Likely benign (1 of 4 stars; one submission).

Allele frequency attached by ClinVar (database versions not stated): 1000 Genomes Project 30x 0.00125; 1000 Genomes Project 0.00140; ESP Exome Variant Server 0.00423; TOPMed 0.00430; gnomAD 0.00432; ExAC 0.00448; gnomAD exomes 0.00686.
gnomAD v4.1: 10,399 of 1,594,380 alleles (0.65%); highest among the groups gnomAD compares: Non-Finnish European, 0.81%; 52 homozygotes.

Submission:

CeGaT Center for Human Genetics Tuebingen
Classification: Likely benign. Last evaluated: 2023-02-01. Review status: criteria provided, single submitter. Criteria: CeGaT Center For Human Genetics Tuebingen Variant Classification Criteria Version 2. Collection method: clinical testing. Allele origin: germline. Affected: yes. Observed: 1 variant allele.
Comment: TRMT1L: BP4, BS2